The following is an entry in ClinVar:

ClinVar aggregate classification (germline): Benign. Review status: criteria provided, multiple submitters, no conflicts (2 of 4 stars). 5 submissions from 5 submitters: Benign (5). Last evaluated 2026-02-01.

Conditions:
Junctional epidermolysis bullosa, non-Herlitz type. Also called: Adult junctional epidermolysis bullosa; COL17A1-Related Junctional Epidermolysis Bullosa; Epidermolysis bullosa, junctional, non-herlitz type, somatic mosaic revertant; EPIDERMOLYSIS BULLOSA JUNCTIONALIS, DISENTIS TYPE; EPIDERMOLYSIS BULLOSA JUNCTIONALIS, NON-HERLITZ TYPE; EPIDERMOLYSIS BULLOSA JUNCTIONALIS, PROGRESSIVE. Identifiers: Orphanet 251393, Orphanet 79402, Orphanet 79405, Orphanet 89840, MedGen C0268374, MONDO:0009180, OMIM 226650.

Allele frequency attached by ClinVar (database versions not stated): gnomAD exomes 0.00747 and 0.03280; gnomAD 0.00936 and 0.01010; ESP Exome Variant Server 0.00154; TOPMed 0.02017; 1000 Genomes Project 0.02097; 1000 Genomes Project 30x 0.02155; ExAC 0.02562.
gnomAD v4.1: 12,307 of 1,613,286 alleles (0.76%); highest among the groups gnomAD compares: Admixed American, 16%; 1,179 homozygotes.

Submissions (5):

Labcorp Genetics (formerly Invitae), Labcorp
Classification: Benign. Last evaluated: 2026-02-01. Review status: criteria provided, single submitter. Criteria: Invitae Variant Classification Sherloc (09022015). Collection method: clinical testing. Allele origin: germline.

GeneDx
Classification: Benign. Last evaluated: 2021-11-02. Review status: criteria provided, single submitter. Criteria: GeneDx Variant Classification Process June 2021. Collection method: clinical testing. Allele origin: germline. Affected: yes.

Illumina Laboratory Services, Illumina
Classification: Benign for Junctional epidermolysis bullosa, non-Herlitz type. Last evaluated: 2018-01-13. Review status: criteria provided, single submitter. Criteria: ICSL Variant Classification Criteria 13 December 2019. Collection method: clinical testing. Allele origin: germline.
Comment: This variant was observed in the ICSL laboratory as part of a predisposition screen in an ostensibly healthy population. It had not been previously curated by ICSL or reported in the Human Gene Mutation Database (HGMD: prior to June 1st, 2018), and was therefore a candidate for classification through an automated scoring system. Utilizing variant allele frequency, disease prevalence and penetrance estimates, and inheritance mode, an automated score was calculated to assess if this variant is too frequent to cause the disease. Based on the score and internal cut-off values, a variant classified as benign is not then subjected to further curation. The score for this variant resulted in a classification of benign for this disease.

Breakthrough Genomics
Classification: Benign. Review status: criteria provided, single submitter. Criteria: ACMG Guidelines, 2015. Collection method: not provided. Allele origin: germline. Inheritance: Autosomal recessive inheritance. Affected: yes.

PreventionGenetics, part of Exact Sciences
Classification: Benign. Review status: criteria provided, single submitter. Criteria: ACMG Guidelines, 2015. Collection method: clinical testing. Allele origin: germline.

NM_000494.4(COL17A1):c.10A>G (p.Thr4Ala)

Gene: COL17A1 (collagen type XVII alpha 1 chain; minus strand). Cytogenetic location: 10q25.1.
Variant type: single nucleotide variant.
Coding change: c.10A>G on transcript NM_000494.4 (MANE Select); coding-DNA position 10, A replaced by G.
Protein change: p.Thr4Ala; replaces threonine 4 with alanine.
Molecular consequence: missense variant.
Genome position (GRCh38, 1-based): chr10:104,080,664, T>C on the plus strand (A>G on the coding strand, the complement: COL17A1 is on the minus strand). VCF-style: chr10-104080664-T-C. GRCh37 (hg19) VCF-style: chr10-105840422-T-C.
Other names: c.10A>G, p.Thr4Ala (LRG_1249t1); short protein forms T4A.
Identifiers: ClinVar variation 256264 (VCV000256264.15), dbSNP rs17116471, ClinGen allele CA5679619.